The following is an entry in ClinVar:

NM_006440.5(TXNRD2):c.1009G>A (p.Asp337Asn)

Gene: TXNRD2 (thioredoxin reductase 2; minus strand). Cytogenetic location: 22q11.21.
Variant type: single nucleotide variant.
Coding change: c.1009G>A on transcript NM_006440.5 (MANE Select); coding-DNA position 1009, G replaced by A.
Protein change: p.Asp337Asn; replaces aspartic acid 337 with asparagine.
Molecular consequence: missense variant. On other transcripts: non-coding transcript variant (1).
Genome position (GRCh38, 1-based): chr22:19,883,402, C>T on the plus strand (G>A on the coding strand, the complement: TXNRD2 is on the minus strand). VCF-style: chr22-19883402-C-T. GRCh37 (hg19) VCF-style: chr22-19870925-C-T.
Other names: c.1006G>A, p.Asp336Asn (NM_001352300.2); c.919G>A, p.Asp307Asn (NM_001352301.2); c.721G>A, p.Asp241Asn (NM_001352302.2); short protein forms D241N, D307N, D336N, D337N.
Identifiers: ClinVar variation 2581990 (VCV002581990.6), dbSNP rs781778102, ClinGen allele CA10103865.
Genomic context (GRCh38, chr22:19,883,402, plus strand): 5'-TGGCGTAGATGTGGGGCACAGAGGTGGCTTCCCGGGAGTCCACCAGGATCTTCTGAGTGT[C>T]GGGGCTAGTATCTACCCCAGCCTTCTCCAAATTCAGACTTCTGGTGTCTGGGACTCGACC-3'
Protein context (NP_006431.2, residues 327-347): LEKAGVDTSP[Asp337Asn]TQKILVDSRE

ClinVar aggregate classification (germline): Uncertain significance. Review status: criteria provided, multiple submitters, no conflicts (2 of 4 stars). 3 submissions from 3 submitters: Uncertain significance (3). Last evaluated 2024-09-17.

Conditions:
Cardiovascular phenotype. Identifiers: MedGen CN230736.
Primary dilated cardiomyopathy (DCM). Also called: Dilated Cardiomyopathy. Identifiers: Orphanet 217604, MedGen C0007193, MeSH D002311, MONDO:0005021, HP:0001644. Inheritance: Various modes of inheritance.

Allele frequency attached by ClinVar (database versions not stated): TOPMed 0.00001; ExAC 0.00002; gnomAD 0.00001; gnomAD exomes 0.00001.
gnomAD v4.1: 10 of 1,613,930 alleles (0.00062%); highest among the groups gnomAD compares: South Asian, 0.0055%; no homozygotes.

Submissions (3):

Ambry Genetics
Classification: Uncertain significance for Cardiovascular phenotype. Last evaluated: 2024-09-17. Review status: criteria provided, single submitter. Criteria: Ambry Variant Classification Scheme 2023. Collection method: clinical testing. Allele origin: germline.
Comment: The p.D337N variant (also known as c.1009G>A), located in coding exon 12 of the TXNRD2 gene, results from a G to A substitution at nucleotide position 1009. The aspartic acid at codon 337 is replaced by asparagine, an amino acid with highly similar properties. This amino acid position is conserved. In addition, this alteration is predicted to be tolerated by in silico analysis. Based on the available evidence, the clinical significance of this variant remains unclear.

Labcorp Genetics (formerly Invitae), Labcorp
Classification: Uncertain significance for Primary dilated cardiomyopathy. Last evaluated: 2023-11-15. Review status: criteria provided, single submitter. Criteria: Invitae Variant Classification Sherloc (09022015). Collection method: clinical testing. Allele origin: germline.
Comment: This sequence change replaces aspartic acid, which is acidic and polar, with asparagine, which is neutral and polar, at codon 337 of the TXNRD2 protein (p.Asp337Asn). This variant is present in population databases (rs781778102, gnomAD 0.003%). This variant has not been reported in the literature in individuals affected with TXNRD2-related conditions. An algorithm developed to predict the effect of missense changes on protein structure and function (PolyPhen-2) suggests that this variant is likely to be tolerated. In summary, the available evidence is currently insufficient to determine the role of this variant in disease. Therefore, it has been classified as a Variant of Uncertain Significance.

GeneDx
Classification: Uncertain significance. Last evaluated: 2023-03-31. Review status: criteria provided, single submitter. Criteria: GeneDx Variant Classification Process June 2021. Collection method: clinical testing. Allele origin: germline. Affected: yes.
Comment: Has not been previously published as pathogenic or benign to our knowledge; Not observed at significant frequency in large population cohorts (gnomAD); In silico analysis supports that this missense variant does not alter protein structure/function